The following is an entry in ClinVar:

NM_000026.4(ADSL):c.845T>C (p.Phe282Ser)

Gene: ADSL (adenylosuccinate lyase; plus strand). Cytogenetic location: 22q13.1.
Variant type: single nucleotide variant.
Coding change: c.845T>C on transcript NM_000026.4 (MANE Select); coding-DNA position 845, T replaced by C.
Protein change: p.Phe282Ser; replaces phenylalanine 282 with serine.
Molecular consequence: missense variant. On other transcripts: non-coding transcript variant (1).
Genome position (GRCh38, 1-based): chr22:40,361,325, T>C. VCF-style: chr22-40361325-T-C. GRCh37 (hg19) VCF-style: chr22-40757329-T-C.
Other names: c.845T>C, p.Phe282Ser (NM_001123378.3, NM_001363840.3); c.653T>C, p.Phe218Ser (NM_001317923.2); short protein forms F282S, F218S.
Identifiers: ClinVar variation 1397644 (VCV001397644.8), dbSNP rs2146662152, ClinGen allele CA411643655.
Genomic context (GRCh38, chr22:40,361,325, plus strand): 5'-TCCCCCAGATTTGCACCGACATACGCCTCCTGGCAAACCTCAAGGAGATGGAGGAACCCT[T>C]TGAAAAACAGCAGATTGGTGAGTGCTGTGTAGAGACCTGTGAGCACACATTGCTGCTGGA-3'
Protein context (NP_000017.1, residues 272-292): LANLKEMEEP[Phe282Ser]EKQQIGSSAM

ClinVar aggregate classification (germline): Uncertain significance (1 of 4 stars; one submission).

Conditions:
Adenylosuccinate lyase deficiency (ADSLD). Also called: ADSL DEFICIENCY. Identifiers: Orphanet 46, MedGen C0268126, MONDO:0007068, OMIM 103050.

Submission:

Labcorp Genetics (formerly Invitae), Labcorp
Classification: Uncertain significance for Adenylosuccinate lyase deficiency. Last evaluated: 2022-01-14. Review status: criteria provided, single submitter. Criteria: Invitae Variant Classification Sherloc (09022015). Collection method: clinical testing. Allele origin: germline.
Comment: In summary, the available evidence is currently insufficient to determine the role of this variant in disease. Therefore, it has been classified as a Variant of Uncertain Significance. Algorithms developed to predict the effect of missense changes on protein structure and function (SIFT, PolyPhen-2, Align-GVGD) all suggest that this variant is likely to be disruptive. This variant has not been reported in the literature in individuals affected with ADSL-related conditions. This variant is not present in population databases (gnomAD no frequency). This sequence change replaces phenylalanine, which is neutral and non-polar, with serine, which is neutral and polar, at codon 282 of the ADSL protein (p.Phe282Ser).